The following is an entry in ClinVar:

NM_000048.4(ASL):c.-44+10C>T

Genes: ASL (argininosuccinate lyase; plus strand), LOC129998525 (ATAC-STARR-seq lymphoblastoid silent region 18203; plus strand). Cytogenetic location: 7q11.21.
Variant type: single nucleotide variant.
Coding change: c.-44+10C>T on transcript NM_000048.4 (MANE Select); 10 bases into the intron after 44 bases upstream of the start codon, C replaced by T.
Molecular consequence: intron variant. On other transcripts: 5 prime UTR variant (3).
Genome position (GRCh38, 1-based): chr7:66,075,866, C>T. VCF-style: chr7-66075866-C-T. GRCh37 (hg19) VCF-style: chr7-65540853-C-T.
Other names: c.-216C>T (NM_001024943.2, NM_001024944.2, NM_001024946.2).
Identifiers: ClinVar variation 383905 (VCV000383905.1), dbSNP rs1057521777, ClinGen allele CA16605372.

ClinVar aggregate classification (germline): Likely benign (1 of 4 stars; one submission).

Submission:

GeneDx
Classification: Likely benign. Last evaluated: 2016-03-14. Review status: criteria provided, single submitter. Criteria: GeneDx Variant Classification (06012015). Collection method: clinical testing. Allele origin: germline. Affected: yes.
Comment: This variant is considered likely benign or benign based on one or more of the following criteria: it is a conservative change, it occurs at a poorly conserved position in the protein, it is predicted to be benign by multiple in silico algorithms, and/or has population frequency not consistent with disease.